The following is an entry in ClinVar:

ClinVar aggregate classification (germline): Likely benign (1 of 4 stars; one submission).

Conditions:
SLC24A4-related disorder. Also called: SLC24A4-related condition.

gnomAD v4.1: 4,473 of 1,613,912 alleles (0.28%); highest among the groups gnomAD compares: Non-Finnish European, 0.32%; 14 homozygotes.

Submission:

PreventionGenetics, part of Exact Sciences
Classification: Likely benign for SLC24A4-related condition. Last evaluated: 2026-06-03. Review status: criteria provided, single submitter. Criteria: ACMG Guidelines, 2015. Collection method: clinical testing. Allele origin: germline.
Comment: This variant is classified as likely benign based on ACMG/AMP sequence variant interpretation guidelines (Richards et al. 2015 PMID: 25741868, with internal and published modifications).

NM_153646.4(SLC24A4):c.*1C>T

Gene: SLC24A4 (solute carrier family 24 member 4; plus strand). Cytogenetic location: 14q32.12.
Variant type: single nucleotide variant.
Coding change: c.*1C>T on transcript NM_153646.4 (MANE Select); 1 bases downstream of the stop codon, C replaced by T.
Molecular consequence: 3 prime UTR variant.
Genome position (GRCh38, 1-based): chr14:92,493,629, C>T. VCF-style: chr14-92493629-C-T. GRCh37 (hg19) VCF-style: chr14-92959973-C-T.
Other names: c.*1C>T (NM_001378620.1, NM_001425254.1, NM_153647.4 and 1 more transcripts).
Identifiers: ClinVar variation 4996243 (VCV004996243.1).